The following is an entry in ClinVar:

ClinVar aggregate classification (germline): Benign (1 of 4 stars; one submission).

Conditions:
Ehlers-Danlos syndrome, classic type (cEDS). Identifiers: Orphanet 287, MedGen C4225429, MONDO:0007522.

Allele frequency attached by ClinVar (database versions not stated): gnomAD 0.00001 and 0.00011; TOPMed 0.00006; 1000 Genomes Project 30x 0.00078; 1000 Genomes Project 0.00080.

Submission:

Illumina Laboratory Services, Illumina
Classification: Benign for Ehlers-Danlos syndrome, classic type, 1. Last evaluated: 2018-01-13. Review status: criteria provided, single submitter. Criteria: ICSL Variant Classification Criteria 13 December 2019. Collection method: clinical testing. Allele origin: germline.
Comment: This variant was observed in the ICSL laboratory as part of a predisposition screen in an ostensibly healthy population. It had not been previously curated by ICSL or reported in the Human Gene Mutation Database (HGMD: prior to June 1st, 2018), and was therefore a candidate for classification through an automated scoring system. Utilizing variant allele frequency, disease prevalence and penetrance estimates, and inheritance mode, an automated score was calculated to assess if this variant is too frequent to cause the disease. Based on the score and internal cut-off values, a variant classified as benign is not then subjected to further curation. The score for this variant resulted in a classification of benign for this disease.

NM_000093.5(COL5A1):c.*1260G>A

Genes: COL5A1 (collagen type V alpha 1 chain; plus strand), LOC101448202 (uncharacterized LOC101448202; minus strand). Cytogenetic location: 9q34.3.
Variant type: single nucleotide variant.
Coding change: c.*1260G>A on transcript NM_000093.5 (MANE Select); 1260 bases downstream of the stop codon, G replaced by A.
Molecular consequence: 3 prime UTR variant.
Genome position (GRCh38, 1-based): chr9:134,843,563, G>A. VCF-style: chr9-134843563-G-A. GRCh37 (hg19) VCF-style: chr9-137735409-G-A.
Other names: c.*1260G>A (NM_001278074.1).
Identifiers: ClinVar variation 365770 (VCV000365770.7), dbSNP rs557696379, ClinGen allele CA10632932.
Genomic context (GRCh38, chr9:134,843,563, plus strand): 5'-GATCAATGCACGTCACTTTCCTTTCCACTGGGCAGGATAGCCAAGCACACTCCCTCCTGC[G>A]CTCTCCCGCCCCGGTGCGTCCACTCCCGAGGGCTGTTATGAGGACTGGGTTGTGCCTACT-3'